The following is an entry in ClinVar:

NM_144599.5(NIPA1):c.49G>A (p.Gly17Arg)

Genes: NIPA1 (NIPA magnesium transporter 1; plus strand), LOC130056709 (ATAC-STARR-seq lymphoblastoid silent region 6259; plus strand). Cytogenetic location: 15q11.2.
Variant type: single nucleotide variant.
Coding change: c.49G>A on transcript NM_144599.5 (MANE Select); coding-DNA position 49, G replaced by A.
Protein change: p.Gly17Arg; replaces glycine 17 with arginine.
Molecular consequence: missense variant. On other transcripts: intron variant (1).
Genome position (GRCh38, 1-based): chr15:22,786,705, G>A. VCF-style: chr15-22786705-G-A. GRCh37 (hg19) VCF-style: chr15-23086363-C-T.
Other names: c.-48+457G>A (NM_001142275.1); short protein forms G17R.
Identifiers: ClinVar variation 887002 (VCV000887002.6), dbSNP rs780312828, ClinGen allele CA391298355.

ClinVar aggregate classification (germline): Uncertain significance. Review status: criteria provided, multiple submitters, no conflicts (2 of 4 stars). 2 submissions from 2 submitters: Uncertain significance (2). Last evaluated 2025-09-12.

Conditions:
Hereditary spastic paraplegia 6 (SPG6). Also called: SPASTIC PARAPLEGIA 6, AUTOSOMAL DOMINANT. Identifiers: Orphanet 100988, MedGen C1838192, MONDO:0010878, OMIM 600363.

Allele frequency attached by ClinVar (database versions not stated): TOPMed below 0.00001; gnomAD 0.00001.
gnomAD v4.1: 2 of 1,158,562 alleles (0.00017%); highest among the groups gnomAD compares: Non-Finnish European, 0.00021%; no homozygotes.

Submissions (2):

GeneDx
Classification: Uncertain significance. Last evaluated: 2025-09-12. Review status: criteria provided, single submitter. Criteria: GeneDx Variant Classification Process June 2021. Collection method: clinical testing. Allele origin: germline.
Comment: Not observed at significant frequency in large population cohorts (gnomAD); In silico analysis supports that this missense variant has a deleterious effect on protein structure/function; Has not been previously published as pathogenic or benign to our knowledge

Illumina Laboratory Services, Illumina
Classification: Uncertain significance for Hereditary spastic paraplegia 6. Last evaluated: 2018-01-12. Review status: criteria provided, single submitter. Criteria: ICSL Variant Classification Criteria 13 December 2019. Collection method: clinical testing. Allele origin: germline.